The following is an entry in ClinVar:

ClinVar aggregate classification (germline): Uncertain significance (1 of 4 stars; one submission).

Conditions:
Neurodevelopmental disorder with cataracts, poor growth, and dysmorphic facies. Identifiers: MedGen C5231414, MONDO:0032817, OMIM 618571.

Allele frequency attached by ClinVar (database versions not stated): gnomAD 0.00002; TOPMed 0.00004; gnomAD exomes 0.00005; ExAC 0.00007; ESP Exome Variant Server 0.00016.

Submission:

UNC Molecular Genetics  Laboratory, University of North Carolina at Chapel Hill
Classification: Uncertain significance for Neurodevelopmental disorder with cataracts, poor growth, and dysmorphic facies. Last evaluated: 2020-04-01. Review status: criteria provided, single submitter. Criteria: ACMG Guidelines, 2015. Collection method: research. Allele origin: germline. Observed: 1 variant allele. Study: CSER_NCGENES.
Comment: The INTS1 c.5224G>A (p.Glu1742Lys) is a missense variant that changes a single amino acid in the encoded protein from glutamic acid to lysine. This is a rare variant that has been observed in the heterozygous state in 8 out of 184,894 alleles (0.0043%) from unselected individuals in the general population and is not reported in homozygosity. This variant has not been previously reported with disease in the literature. Other missense variants have been reported in association with this disorder, and this variant lies within a domain predicted to impact helix folding. This variant has conflicting predictions of pathogenicity by in silico tools and its effect on protein function is unknown. This is considered a variant of uncertain significance.

NM_001080453.3(INTS1):c.5224G>A (p.Glu1742Lys)

Gene: INTS1 (integrator complex subunit 1; minus strand). Cytogenetic location: 7p22.3.
Variant type: single nucleotide variant.
Coding change: c.5224G>A on transcript NM_001080453.3 (MANE Select); coding-DNA position 5224, G replaced by A.
Protein change: p.Glu1742Lys; replaces glutamic acid 1742 with lysine.
Molecular consequence: missense variant.
Genome position (GRCh38, 1-based): chr7:1,476,383, C>T on the plus strand (G>A on the coding strand, the complement: INTS1 is on the minus strand). VCF-style: chr7-1476383-C-T. GRCh37 (hg19) VCF-style: chr7-1516019-C-T.
Other names: short protein forms E1742K.
Identifiers: ClinVar variation 1064556 (VCV001064556.1), dbSNP rs371534075, ClinGen allele CA4118483.